The following is an entry in ClinVar:

NM_012210.4(TRIM32):c.75G>C (p.Glu25Asp)

Genes: ASTN2 (astrotactin 2; minus strand), TRIM32 (tripartite motif containing 32; plus strand). Cytogenetic location: 9q33.1.
Variant type: single nucleotide variant.
Coding change: c.75G>C on transcript NM_012210.4 (MANE Select); coding-DNA position 75, G replaced by C.
Protein change: p.Glu25Asp; replaces glutamic acid 25 with aspartic acid.
Molecular consequence: missense variant. On other transcripts: intron variant (3).
Genome position (GRCh38, 1-based): chr9:116,697,817, G>C. VCF-style: chr9-116697817-G-C. GRCh37 (hg19) VCF-style: chr9-119460096-G-C.
Other names: c.2653+27954C>G (NM_014010.5); c.2794+27954C>G (NM_001365069.1); c.2806+27954C>G (NM_001365068.1); c.75G>C, p.Glu25Asp (NM_001099679.2, NM_001379048.1, NM_001379049.1 and 1 more transcripts); short protein forms E25D.
Identifiers: ClinVar variation 1007266 (VCV001007266.7), dbSNP rs1262596490, ClinGen allele CA374647508.
Genomic context (GRCh38, chr9:116,697,817, plus strand): 5'-AGCTTCTCACCTGAACCTGGATGCCCTCCGGGAAGTGCTAGAATGCCCCATCTGCATGGA[G>C]TCCTTCACAGAAGAGCAGCTGCGTCCCAAGCTTCTGCACTGTGGCCATACCATCTGCCGC-3'
Protein context (NP_036342.2, residues 15-35): REVLECPICM[Glu25Asp]SFTEEQLRPK

ClinVar aggregate classification (germline): Uncertain significance. Review status: criteria provided, single submitter (1 of 4 stars). 2 submissions from 2 submitters: Uncertain significance (1). 1 of the submissions does not count toward it. Last evaluated 2022-07-19.

Conditions:
TRIM32-related disorder. Also called: TRIM32-related condition.
Bardet-Biedl syndrome (BBS). Identifiers: Orphanet 110, MedGen C0752166, MONDO:0015229.

gnomAD v4.1: 5 of 1,614,160 alleles (0.00031%); no homozygotes.

Submissions (2):

Labcorp Genetics (formerly Invitae), Labcorp
Classification: Uncertain significance for Bardet-Biedl syndrome. Last evaluated: 2022-07-19. Review status: criteria provided, single submitter. Criteria: Invitae Variant Classification Sherloc (09022015). Collection method: clinical testing. Allele origin: germline.
Comment: This sequence change replaces glutamic acid, which is acidic and polar, with aspartic acid, which is acidic and polar, at codon 25 of the TRIM32 protein (p.Glu25Asp). This variant is not present in population databases (gnomAD no frequency). This variant has not been reported in the literature in individuals affected with TRIM32-related conditions. ClinVar contains an entry for this variant (Variation ID: 1007266). Algorithms developed to predict the effect of missense changes on protein structure and function (SIFT, PolyPhen-2, Align-GVGD) all suggest that this variant is likely to be disruptive. In summary, the available evidence is currently insufficient to determine the role of this variant in disease. Therefore, it has been classified as a Variant of Uncertain Significance.

PreventionGenetics, part of Exact Sciences
Classification: Uncertain significance for TRIM32-related condition. Last evaluated: 2024-05-22. Review status: no assertion criteria provided. Collection method: clinical testing. Allele origin: germline. Not counted in ClinVar's aggregate classification.
Comment: The TRIM32 c.75G>C variant is predicted to result in the amino acid substitution p.Glu25Asp. To our knowledge, this variant has not been reported in the literature or in a large population database, indicating this variant is rare. At this time, the clinical significance of this variant is uncertain due to the absence of conclusive functional and genetic evidence.